The following is an entry in ClinVar:

ClinVar aggregate classification (germline): Uncertain significance (1 of 4 stars; one submission).

Submission:

Labcorp Genetics (formerly Invitae), Labcorp
Classification: Uncertain significance. Last evaluated: 2025-11-26. Review status: criteria provided, single submitter. Criteria: Invitae Variant Classification Sherloc (09022015). Collection method: clinical testing. Allele origin: germline.
Comment: This sequence change replaces glycine, which is neutral and non-polar, with glutamic acid, which is acidic and polar, at codon 53 of the PHIP protein (p.Gly53Glu). This variant is not present in population databases (gnomAD no frequency). This variant has not been reported in the literature in individuals affected with PHIP-related conditions. Invitae Evidence Modeling of protein sequence and biophysical properties (such as structural, functional, and spatial information, amino acid conservation, physicochemical variation, residue mobility, and thermodynamic stability) has been performed for this missense variant. However, the output from this modeling did not meet the statistical confidence thresholds required to predict the impact of this variant on PHIP protein function. In summary, the available evidence is currently insufficient to determine the role of this variant in disease. Therefore, it has been classified as a Variant of Uncertain Significance.

NM_017934.7(PHIP):c.158G>A (p.Gly53Glu)

Gene: PHIP (PHIP subunit of CUL4-Ring ligase complex; minus strand). Cytogenetic location: 6q14.1.
Variant type: single nucleotide variant.
Coding change: c.158G>A on transcript NM_017934.7 (MANE Select); coding-DNA position 158, G replaced by A.
Protein change: p.Gly53Glu; replaces glycine 53 with glutamic acid.
Molecular consequence: missense variant.
Genome position (GRCh38, 1-based): chr6:79,077,479, C>T on the plus strand (G>A on the coding strand, the complement: PHIP is on the minus strand). VCF-style: chr6-79077479-C-T. GRCh37 (hg19) VCF-style: chr6-79787196-C-T.
Other names: short protein forms G53E.
Identifiers: ClinVar variation 4746737 (VCV004746737.1).